The following is an entry in ClinVar:

NM_001040142.2(SCN2A):c.3527_3529dup (p.Val1176_Arg1177insLeu)

Gene: SCN2A (sodium voltage-gated channel alpha subunit 2; plus strand). Cytogenetic location: 2q24.3.
Variant type: Duplication.
Coding change: c.3527_3529dup on transcript NM_001040142.2 (MANE Select); coding-DNA positions 3527 to 3529, 3 bases duplicated (TAC; older notation c.3527_3529dupTAC).
Protein change: p.Val1176_Arg1177insLeu.
Genome position (GRCh38, 1-based): chr2:165,367,223-165,367,225, TAC duplicated. VCF-style (leftmost placement, unchanged base first): chr2-165367222-G-GTAC. GRCh37 (hg19) VCF-style: chr2-166223732-G-GTAC.
Other names: c.3527_3529dup, p.Val1176_Arg1177insLeu (NM_001040143.2, NM_001371246.1, NM_001371247.1 and 1 more transcripts).
Identifiers: ClinVar variation 4082881 (VCV004082881.1).
Genomic context (GRCh38, chr2:165,367,222, plus strand): 5'-ATATACCTAATCAAAGAGTAATTTTTTGTCTTCATTTTTTTCCCACATATTTTAGACTGT[G>GTAC]TACGGAAGTTCAAGTGTTGTCAGATAAGCATAGAAGAAGGCAAAGGGAAACTCTGGTGGA-3'

ClinVar aggregate classification (germline): Uncertain significance (1 of 4 stars; one submission).

Submission:

GeneDx
Classification: Uncertain significance. Last evaluated: 2025-03-05. Review status: criteria provided, single submitter. Criteria: GeneDx Variant Classification Process June 2021. Collection method: clinical testing. Allele origin: germline. Affected: yes.
Comment: In-frame insertion of 1 amino acid(s) in a non-repeat region; Not observed at significant frequency in large population cohorts (gnomAD); Has not been previously published as pathogenic or benign to our knowledge